The following is an entry in ClinVar:

ClinVar aggregate classification (germline): Uncertain significance. Review status: criteria provided, multiple submitters, no conflicts (2 of 4 stars). 2 submissions from 2 submitters: Uncertain significance (2). Last evaluated 2025-09-15.

Conditions:
Orthostatic hypotension 1 (ORTHYP1). Also called: Dopamine beta-hydroxylase deficiency; NORADRENALINE DEFICIENCY; NOREPINEPHRINE DEFICIENCY; Orthostatic hypotension 1, due to DBH deficiency. Identifiers: Orphanet 230, MedGen C4746777, MONDO:0009123, OMIM 223360.
Inborn genetic diseases. Identifiers: MedGen C0950123, MeSH D030342.

Allele frequency attached by ClinVar (database versions not stated): gnomAD 0.00005; TOPMed 0.00006; ExAC 0.00009; ESP Exome Variant Server 0.00015.

Submissions (2):

Labcorp Genetics (formerly Invitae), Labcorp
Classification: Uncertain significance for Orthostatic hypotension 1. Last evaluated: 2025-09-15. Review status: criteria provided, single submitter. Criteria: Invitae Variant Classification Sherloc (09022015). Collection method: clinical testing. Allele origin: germline.
Comment: This sequence change replaces arginine, which is basic and polar, with histidine, which is basic and polar, at codon 448 of the DBH protein (p.Arg448His). This variant is present in population databases (rs372946596, gnomAD 0.07%). This variant has not been reported in the literature in individuals affected with DBH-related conditions. ClinVar contains an entry for this variant (Variation ID: 653967). Invitae Evidence Modeling of protein sequence and biophysical properties (such as structural, functional, and spatial information, amino acid conservation, physicochemical variation, residue mobility, and thermodynamic stability) has been performed for this missense variant. However, the output from this modeling did not meet the statistical confidence thresholds required to predict the impact of this variant on DBH protein function. In summary, the available evidence is currently insufficient to determine the role of this variant in disease. Therefore, it has been classified as a Variant of Uncertain Significance.

Ambry Genetics
Classification: Uncertain significance for Inborn genetic diseases. Last evaluated: 2025-03-03. Review status: criteria provided, single submitter. Criteria: Ambry Variant Classification Scheme 2023. Collection method: clinical testing. Allele origin: germline.

NM_000787.4(DBH):c.1343G>A (p.Arg448His)

Gene: DBH (dopamine beta-hydroxylase; plus strand). Cytogenetic location: 9q34.2.
Variant type: single nucleotide variant.
Coding change: c.1343G>A on transcript NM_000787.4 (MANE Select); coding-DNA position 1343, G replaced by A.
Protein change: p.Arg448His; replaces arginine 448 with histidine.
Molecular consequence: missense variant.
Genome position (GRCh38, 1-based): chr9:133,652,253, G>A. VCF-style: chr9-133652253-G-A. GRCh37 (hg19) VCF-style: chr9-136517375-G-A.
Other names: short protein forms R448H.
Identifiers: ClinVar variation 653967 (VCV000653967.9), dbSNP rs372946596, ClinGen allele CA5313458.